The following is an entry in ClinVar:

NM_001105206.3(LAMA4):c.2493+15G>T

Gene: LAMA4 (laminin subunit alpha 4; minus strand). Cytogenetic location: 6q21.
Variant type: single nucleotide variant.
Coding change: c.2493+15G>T on transcript NM_001105206.3 (MANE Select); 15 bases into the intron after coding-DNA position 2493, G replaced by T.
Molecular consequence: intron variant.
Genome position (GRCh38, 1-based): chr6:112,144,779, C>A on the plus strand (G>T on the coding strand, the complement: LAMA4 is on the minus strand). VCF-style: chr6-112144779-C-A. GRCh37 (hg19) VCF-style: chr6-112465981-C-A.
Other names: c.2472+15G>T (NM_002290.5, NM_001105207.3).
Identifiers: ClinVar variation 44362 (VCV000044362.15), dbSNP rs77901141, ClinGen allele CA134021.

ClinVar aggregate classification (germline): Benign/Likely benign. Review status: criteria provided, multiple submitters, no conflicts (2 of 4 stars). 6 submissions from 6 submitters: Benign (4); Likely benign (2). Last evaluated 2026-01-26.

Conditions:
Dilated cardiomyopathy 1JJ (CMD1JJ). Identifiers: Orphanet 154, MedGen C3808935, MONDO:0014095, OMIM 615235.

Allele frequency attached by ClinVar (database versions not stated): gnomAD exomes 0.00040; ExAC 0.00045; gnomAD 0.00168 and 0.00178; TOPMed 0.00176; 1000 Genomes Project 0.00180; 1000 Genomes Project 30x 0.00219; ESP Exome Variant Server 0.00254.

Submissions (6):

Labcorp Genetics (formerly Invitae), Labcorp
Classification: Benign for Dilated cardiomyopathy 1JJ. Last evaluated: 2026-01-26. Review status: criteria provided, single submitter. Criteria: Invitae Variant Classification Sherloc (09022015). Collection method: clinical testing. Allele origin: germline.

Women's Health and Genetics/Laboratory Corporation of America, LabCorp
Classification: Benign. Last evaluated: 2025-07-09. Review status: criteria provided, single submitter. Criteria: LabCorp Variant Classification Summary - May 2015. Collection method: clinical testing. Allele origin: germline.

ARUP Laboratories, Molecular Genetics and Genomics, ARUP Laboratories
Classification: Benign for Dilated cardiomyopathy 1JJ. Last evaluated: 2023-09-06. Review status: criteria provided, single submitter. Criteria: ARUP Molecular Germline Variant Investigation Process 2024. Collection method: clinical testing. Allele origin: germline.

Fulgent Genetics
Classification: Likely benign for Dilated cardiomyopathy 1JJ. Last evaluated: 2022-02-22. Review status: criteria provided, single submitter. Criteria: ACMG Guidelines, 2015. Collection method: clinical testing. Allele origin: unknown.

GeneDx
Classification: Likely benign. Last evaluated: 2018-06-05. Review status: criteria provided, single submitter. Criteria: GeneDx Variant Classification Process June 2021. Collection method: clinical testing. Allele origin: germline. Affected: yes.

Laboratory for Molecular Medicine, Mass General Brigham Personalized Medicine
Classification: Benign. Last evaluated: 2012-03-19. Review status: criteria provided, single submitter. Criteria: LMM Criteria. Collection method: clinical testing. Allele origin: germline. Observed: 1 variant allele.
Comment: c.2472+15G>T in Intron 19 of LAMA4: This variant is not expected to have clinica l significance because it is not located within the splice consensus sequence an d has been identified in 0.6% (23/3738) of African American chromosomes from a b road population by the NHLBI Exome Sequencing Project (. edu/EVS; dbSNP rs77901141).